The following is an entry in ClinVar:

NM_001358530.2(MOCS1):c.1222C>T (p.Gln408Ter)

Gene: MOCS1 (molybdenum cofactor synthesis 1; minus strand). Cytogenetic location: 6p21.2.
Variant type: single nucleotide variant.
Coding change: c.1222C>T on transcript NM_001358530.2 (MANE Select); coding-DNA position 1222, C replaced by T.
Protein change: p.Gln408Ter; replaces glutamine 408 with a stop codon.
Molecular consequence: nonsense. On other transcripts: 3 prime UTR variant (4), non-coding transcript variant (1).
Genome position (GRCh38, 1-based): chr6:39,907,046, G>A on the plus strand (C>T on the coding strand, the complement: MOCS1 is on the minus strand). VCF-style: chr6-39907046-G-A. GRCh37 (hg19) VCF-style: chr6-39874822-G-A.
Other names: c.*79C>T (NM_001075098.4, NM_001358533.2, NM_001358534.2 and 1 more transcripts); c.1174C>T, p.Gln392Ter (NM_001358529.2); c.961C>T, p.Gln321Ter (NM_001358531.2); short protein forms Q392*, Q321*, Q408*.
Identifiers: ClinVar variation 1420113 (VCV001420113.6), dbSNP rs775830396, ClinGen allele CA3795981.
Genomic context (GRCh38, chr6:39,907,046, plus strand): 5'-TGCATCCTTTCCATAAAGTGGCCACCTGGCTGGAGAAACTCATTCTGGGTCTTAGACCCT[G>A]AACATGGAGCGGGTCCCAGGAGAAAATGCTTGGATTGGCTGGTGGGGAATTGGGGAACAT-3'

ClinVar aggregate classification (germline): Pathogenic (1 of 4 stars; one submission).

Conditions:
Sulfite oxidase deficiency due to molybdenum cofactor deficiency type A. Also called: Molybdenum cofactor deficiency, complementation group A; Molybdenum Cofactor Deficiency A. Identifiers: Orphanet 308386, Orphanet 833, MedGen C1854988, MONDO:0009643, OMIM 252150.

Allele frequency attached by ClinVar (database versions not stated): gnomAD exomes below 0.00001 and 0.00001; TOPMed below 0.00001; ExAC 0.00001.
gnomAD v4.1: 2 of 1,613,652 alleles (0.00012%); highest among the groups gnomAD compares: Admixed American, 0.0033%; no homozygotes.

Submission:

Labcorp Genetics (formerly Invitae), Labcorp
Classification: Pathogenic for Sulfite oxidase deficiency due to molybdenum cofactor deficiency type A. Last evaluated: 2022-10-28. Review status: criteria provided, single submitter. Criteria: Invitae Variant Classification Sherloc (09022015). Collection method: clinical testing. Allele origin: germline.
Comment: This sequence change creates a premature translational stop signal (p.Gln408*) in the MOCS1 gene. While this is not anticipated to result in nonsense mediated decay, it is expected to disrupt the last 229 amino acid(s) of the MOCS1 protein. This variant is present in population databases (rs775830396, gnomAD 0.006%). This premature translational stop signal has been observed in individual(s) with clinical features of MOCS1-related conditions (Invitae). ClinVar contains an entry for this variant (Variation ID: 1420113). Experimental studies and prediction algorithms are not available or were not evaluated, and the functional significance of this variant is currently unknown. This variant disrupts a region of the MOCS1 protein in which other variant(s) (p.Glu503Alafs*103) have been determined to be pathogenic (PMID: 9731530, 9921896). This suggests that this is a clinically significant region of the protein, and that variants that disrupt it are likely to be disease-causing. For these reasons, this variant has been classified as Pathogenic.

Literature cited by the submitters: PubMed 9731530; PubMed 9921896.